The following is an entry in ClinVar:

NM_000324.3(RHAG):c.1067+1G>A

Gene: RHAG (Rh associated glycoprotein; minus strand). Cytogenetic location: 6p12.3.
Variant type: single nucleotide variant.
Coding change: c.1067+1G>A on transcript NM_000324.3 (MANE Select); the canonical splice donor site of the intron after coding-DNA position 1067, G replaced by A.
Molecular consequence: splice donor variant.
Genome position (GRCh38, 1-based): chr6:49,611,023, C>T on the plus strand (G>A on the coding strand, the complement: RHAG is on the minus strand). VCF-style: chr6-49611023-C-T. GRCh37 (hg19) VCF-style: chr6-49578736-C-T.
Other names: IVS7, G-A, +1.
Identifiers: ClinVar variation 13064 (VCV000013064.3), dbSNP rs1562012617, ClinGen allele CA364397327.

ClinVar aggregate classification (germline): Pathogenic. Review status: criteria provided, single submitter (1 of 4 stars). 2 submissions from 2 submitters: Pathogenic (1). 1 of the submissions does not count toward it. Last evaluated 2023-09-18.

Conditions:
Rh deficiency syndrome. Identifiers: Orphanet 71275, MedGen C0272052, MONDO:0019107.
Rh-null, regulator type (RHNR). Also called: Rh-null hemolytic anemia, regulator type. Identifiers: MedGen C1849387, OMIM 268150.

Allele frequency attached by ClinVar (database versions not stated): TOPMed below 0.00001; gnomAD 0.00001.
gnomAD v4.1: 10 of 1,613,696 alleles (0.00062%); highest among the groups gnomAD compares: East Asian, 0.0022%; no homozygotes.

Submissions (2):

Women's Health and Genetics/Laboratory Corporation of America, LabCorp
Classification: Pathogenic for Rh deficiency syndrome. Last evaluated: 2023-09-18. Review status: criteria provided, single submitter. Criteria: LabCorp Variant Classification Summary - May 2015. Collection method: clinical testing. Allele origin: germline.
Comment: Variant summary: RHAG c.1067+1G>A is located in a canonical splice-site and is predicted to affect mRNA splicing resulting in a significantly altered protein due to either exon skipping, shortening, or inclusion of intronic material. Several computational tools predict a significant impact on normal splicing: Four predict the variant abolishes a canonical 5' splicing donor site. At least one publication reports experimental evidence that this variant affects mRNA splicing (Huang_1998), finding that the variant results in skipping of exon 7 which is expected to cause a frameshift. The variant was absent in 251022 control chromosomes (gnomAD). c.1067+1G>A has been reported in the literature in a homozygous individual affected with Rh-null disease (Huang_1998) and a heterozygous individual affected with overhydrated stomatocytosis (Jamwal_2020). These data indicate that the variant is likely to be associated with disease. The following publications have been ascertained in the context of this evaluation (PMID: 9442063, 32036089). No submitters have cited clinical-significance assessments for this variant to ClinVar after 2014. Based on the evidence outlined above, the variant was classified as pathogenic.

OMIM
Classification: Pathogenic for RH-NULL, REGULATOR TYPE. Last evaluated: 1999-09-01. Review status: no assertion criteria provided. Collection method: literature only. Allele origin: germline. Not counted in ClinVar's aggregate classification.

Literature cited by the submitters: PubMed 9442063 (cited by Women's Health and Genetics/Laboratory Corporation of America, LabCorp); PubMed 32036089 (cited by Women's Health and Genetics/Laboratory Corporation of America, LabCorp); Huang, C.-H., Cheng, G., Liu, Z., Chen, Y., Reid, M. E., Halverson, G., Okubo, Y. Molecular basis for Rh-null syndrome: identification of three new missense mutations in the Rh50 glycoprotein gene. Am. J. Hemat. 62: 25-32, 1999. (cited by OMIM).